The following is an entry in ClinVar:

ClinVar aggregate classification (germline): Uncertain significance (1 of 4 stars; one submission).

Conditions:
Hereditary pancreatitis (PCTT). Also called: PRSS1-Related Hereditary Pancreatitis; Hereditary chronic pancreatitis. Identifiers: Orphanet 676, MedGen C0238339, MONDO:0008185, OMIM 167800.

Submission:

Ambry Genetics
Classification: Uncertain significance for Hereditary pancreatitis. Last evaluated: 2023-06-18. Review status: criteria provided, single submitter. Criteria: Ambry Variant Classification Scheme 2023. Collection method: clinical testing. Allele origin: germline.
Comment: The p.T53A variant (also known as c.157A>G), located in coding exon 3 of the SPINK1 gene, results from an A to G substitution at nucleotide position 157. The threonine at codon 53 is replaced by alanine, an amino acid with similar properties. This amino acid position is conserved. In addition, this alteration is predicted to be deleterious by in silico analysis. Since supporting evidence is limited at this time, the clinical significance of this alteration remains unclear.

NM_001379610.1(SPINK1):c.157A>G (p.Thr53Ala)

Gene: SPINK1 (serine peptidase inhibitor Kazal type 1; minus strand). Cytogenetic location: 5q32.
Variant type: single nucleotide variant.
Coding change: c.157A>G on transcript NM_001379610.1 (MANE Select); coding-DNA position 157, A replaced by G.
Protein change: p.Thr53Ala; replaces threonine 53 with alanine.
Molecular consequence: missense variant.
Genome position (GRCh38, 1-based): chr5:147,828,059, T>C on the plus strand (A>G on the coding strand, the complement: SPINK1 is on the minus strand). VCF-style: chr5-147828059-T-C. GRCh37 (hg19) VCF-style: chr5-147207622-T-C.
Other names: c.157A>G, p.Thr53Ala (NM_001354966.2, NM_003122.5); short protein forms T53A.
Identifiers: ClinVar variation 2626714 (VCV002626714.2), dbSNP rs2480199009, ClinGen allele CA361885238.